The following is an entry in ClinVar:

NM_001025603.2(RFX5):c.1661_1663del (p.Ala554del)

Gene: RFX5 (regulatory factor X5; minus strand). Cytogenetic location: 1q21.3.
Variant type: Deletion.
Coding change: c.1661_1663del on transcript NM_001025603.2 (MANE Select); coding-DNA positions 1661 to 1663, 3 bases deleted (CAG; older notation c.1661_1663delCAG).
Protein change: p.Ala554del; deletes alanine 554.
Molecular consequence: inframe deletion.
Genome position (GRCh38, 1-based): chr1:151,342,374-151,342,376, CTG deleted on the plus strand (CAG on the coding strand, the reverse complement: RFX5 is on the minus strand); deleting any 3 consecutive bases within chr1:151,342,374-151,342,378 gives the same sequence; the c. name uses the placement nearest the transcript's 3' end. VCF-style (leftmost placement, unchanged base first): chr1-151342373-TCTG-T. GRCh37 (hg19) VCF-style: chr1-151314849-TCTG-T.
Other names: c.1661_1663del, p.Ala554del (NM_000449.4, NM_001379412.1, NM_001379413.1 and 5 more transcripts); c.1541_1543del, p.Ala514del (NM_001379419.1, NM_001379420.1); short protein forms A554del, A514del.
Identifiers: ClinVar variation 292609 (VCV000292609.15), dbSNP rs886045282, ClinGen allele CA10608184.

ClinVar aggregate classification (germline): Uncertain significance. Review status: criteria provided, multiple submitters, no conflicts (2 of 4 stars). 2 submissions from 2 submitters: Uncertain significance (2). Last evaluated 2025-10-19.

Conditions:
MHC class II deficiency. Also called: Bare lymphocyte syndrome 2; BLS, TYPE II. Identifiers: Orphanet 572, MedGen C5447452, MONDO:0008855.

Submissions (2):

Labcorp Genetics (formerly Invitae), Labcorp
Classification: Uncertain significance for MHC class II deficiency. Last evaluated: 2025-10-19. Review status: criteria provided, single submitter. Criteria: Invitae Variant Classification Sherloc (09022015). Collection method: clinical testing. Allele origin: germline.
Comment: This variant, c.1661_1663del, results in the deletion of 1 amino acid(s) of the RFX5 protein (p.Ala554del), but otherwise preserves the integrity of the reading frame. This variant is not present in population databases (gnomAD no frequency). This variant has not been reported in the literature in individuals affected with RFX5-related conditions. ClinVar contains an entry for this variant (Variation ID: 292609). Experimental studies and prediction algorithms are not available or were not evaluated, and the functional significance of this variant is currently unknown. In summary, the available evidence is currently insufficient to determine the role of this variant in disease. Therefore, it has been classified as a Variant of Uncertain Significance.

Genome-Nilou Lab
Classification: Uncertain significance for MHC class II deficiency 1. Last evaluated: 2023-04-11. Review status: criteria provided, single submitter. Criteria: ACMG Guidelines, 2015. Collection method: clinical testing. Allele origin: germline. Affected: no.